The following is an entry in ClinVar:

NM_004984.4(KIF5A):c.1486G>A (p.Val496Met)

Gene: KIF5A (kinesin family member 5A; plus strand). Cytogenetic location: 12q13.3.
Variant type: single nucleotide variant.
Coding change: c.1486G>A on transcript NM_004984.4 (MANE Select); coding-DNA position 1486, G replaced by A.
Protein change: p.Val496Met; replaces valine 496 with methionine.
Molecular consequence: missense variant.
Genome position (GRCh38, 1-based): chr12:57,572,184, G>A. VCF-style: chr12-57572184-G-A. GRCh37 (hg19) VCF-style: chr12-57965967-G-A.
Other names: c.1219G>A, p.Val407Met (NM_001354705.2); short protein forms V407M, V496M.
Identifiers: ClinVar variation 1382883 (VCV001382883.6), dbSNP rs2140165263, ClinGen allele CA385506771.
Genomic context (GRCh38, chr12:57,572,184, plus strand): 5'-GAGAACGATGCCGCTAAGGATGAGGTGAAGGAAGTGCTGCAGGCCCTGGAGGAGCTGGCT[G>A]TGAACTATGACCAGAAGTCCCAGGAGGTGGAGGAGAAGAGCCAGCAGAACCAGCTTCTGG-3'
Protein context (NP_004975.2, residues 486-506): EVLQALEELA[Val496Met]NYDQKSQEVE

ClinVar aggregate classification (germline): Uncertain significance (1 of 4 stars; one submission).

Conditions:
Spastic paraplegia. Identifiers: MedGen C0037772, HP:0001258.

Allele frequency attached by ClinVar (database versions not stated): gnomAD exomes below 0.00001.
gnomAD v4.1: 1 of 1,613,774 alleles (0.000062%); highest among the groups gnomAD compares: Non-Finnish European, 0.000085%; no homozygotes.

Submission:

Labcorp Genetics (formerly Invitae), Labcorp
Classification: Uncertain significance for Spastic paraplegia. Last evaluated: 2022-12-12. Review status: criteria provided, single submitter. Criteria: Invitae Variant Classification Sherloc (09022015). Collection method: clinical testing. Allele origin: germline.
Comment: ClinVar contains an entry for this variant (Variation ID: 1382883). This variant has not been reported in the literature in individuals affected with KIF5A-related conditions. This variant is not present in population databases (gnomAD no frequency). This sequence change replaces valine, which is neutral and non-polar, with methionine, which is neutral and non-polar, at codon 496 of the KIF5A protein (p.Val496Met). Advanced modeling of protein sequence and biophysical properties (such as structural, functional, and spatial information, amino acid conservation, physicochemical variation, residue mobility, and thermodynamic stability) performed at Invitae indicates that this missense variant is not expected to disrupt KIF5A protein function. In summary, the available evidence is currently insufficient to determine the role of this variant in disease. Therefore, it has been classified as a Variant of Uncertain Significance.